The following is an entry in ClinVar:

ClinVar aggregate classification (germline): Uncertain significance. Review status: criteria provided, multiple submitters, no conflicts (2 of 4 stars). 6 submissions from 4 submitters: Uncertain significance (6). Last evaluated 2025-03-14.

Conditions:
Amyotrophic lateral sclerosis type 5 (ALS5). Also called: AMYOTROPHIC LATERAL SCLEROSIS 5, JUVENILE. Identifiers: Orphanet 300605, MedGen C1865864, MONDO:0011196, OMIM 602099.
Charcot-Marie-Tooth disease axonal type 2X. Also called: CHARCOT-MARIE-TOOTH DISEASE, AXONAL, AUTOSOMAL RECESSIVE, TYPE 2X; CHARCOT-MARIE-TOOTH NEUROPATHY, TYPE 2X. Identifiers: Orphanet 466775, MedGen C5569024, MONDO:0014726, OMIM 616668.
Hereditary spastic paraplegia 11. Also called: Spastic paraplegia, mental retardation and thin corpus callosum; SPASTIC PARAPLEGIA, AUTOSOMAL RECESSIVE, COMPLICATED, WITH THIN CORPUS CALLOSUM; SPASTIC PARAPLEGIA, AUTOSOMAL RECESSIVE, WITH MENTAL IMPAIRMENT AND THIN CORPUS CALLOSUM; Nakamura Osame syndrome; Autosomal recessive hereditary spastic paraplegia, mental impairment, and thin corpus callosum; Spastic Paraplegia 11. Identifiers: Orphanet 2822, MedGen C1858479, MONDO:0011445, OMIM 604360.

Allele frequency attached by ClinVar (database versions not stated): gnomAD 0.00001 and 0.00002; gnomAD exomes 0.00001 and 0.00002; TOPMed 0.00004.

Submissions (6):

Mayo Clinic Laboratories, Mayo Clinic
Classification: Uncertain significance. Last evaluated: 2025-03-14. Review status: criteria provided, single submitter. Criteria: ACMG Guidelines, 2015. Collection method: clinical testing. Allele origin: germline. Observed: 1 variant allele.

Labcorp Genetics (formerly Invitae), Labcorp
Classification: Uncertain significance for Hereditary spastic paraplegia 11. Last evaluated: 2024-12-24. Review status: criteria provided, single submitter. Criteria: Invitae Variant Classification Sherloc (09022015). Collection method: clinical testing. Allele origin: germline.
Comment: This sequence change replaces arginine, which is basic and polar, with histidine, which is basic and polar, at codon 1196 of the SPG11 protein (p.Arg1196His). This variant is present in population databases (rs373641013, gnomAD 0.004%). This variant has not been reported in the literature in individuals affected with SPG11-related conditions. ClinVar contains an entry for this variant (Variation ID: 493157). Invitae Evidence Modeling of protein sequence and biophysical properties (such as structural, functional, and spatial information, amino acid conservation, physicochemical variation, residue mobility, and thermodynamic stability) indicates that this missense variant is not expected to disrupt SPG11 protein function with a negative predictive value of 80%. In summary, the available evidence is currently insufficient to determine the role of this variant in disease. Therefore, it has been classified as a Variant of Uncertain Significance.

CeGaT Center for Human Genetics Tuebingen
Classification: Uncertain significance. Last evaluated: 2017-10-31. Review status: criteria provided, single submitter. Criteria: Praxis fuer Humangenetik Tuebingen - Variant Classification Criteria. Collection method: clinical testing. Allele origin: germline. Affected: yes. Observed: 2 variant alleles.

Genome-Nilou Lab
Classification: Uncertain significance for Amyotrophic lateral sclerosis type 5. Review status: criteria provided, single submitter. Criteria: ACMG Guidelines, 2015. Collection method: clinical testing. Allele origin: germline.

Genome-Nilou Lab
Classification: Uncertain significance for Charcot-Marie-Tooth disease axonal type 2X. Review status: criteria provided, single submitter. Criteria: ACMG Guidelines, 2015. Collection method: clinical testing. Allele origin: germline.

Genome-Nilou Lab
Classification: Uncertain significance for Hereditary spastic paraplegia 11. Review status: criteria provided, single submitter. Criteria: ACMG Guidelines, 2015. Collection method: clinical testing. Allele origin: germline.

NM_025137.4(SPG11):c.3587G>A (p.Arg1196His)

Gene: SPG11 (SPG11 vesicle trafficking associated, spatacsin; minus strand). Cytogenetic location: 15q21.1.
Variant type: single nucleotide variant.
Coding change: c.3587G>A on transcript NM_025137.4 (MANE Select); coding-DNA position 3587, G replaced by A.
Protein change: p.Arg1196His; replaces arginine 1196 with histidine.
Molecular consequence: missense variant.
Genome position (GRCh38, 1-based): chr15:44,600,566, C>T on the plus strand (G>A on the coding strand, the complement: SPG11 is on the minus strand). VCF-style: chr15-44600566-C-T. GRCh37 (hg19) VCF-style: chr15-44892764-C-T.
Other names: p.Arg1196His; c.3587G>A, p.Arg1196His (NM_001160227.2); short protein forms R1196H.
Identifiers: ClinVar variation 493157 (VCV000493157.10), dbSNP rs373641013, ClinGen allele CA270093514.
Genomic context (GRCh38, chr15:44,600,566, plus strand): 5'-AGAAAAGTACCAAATGCAAATGATGGCCGCCCATTATGTAAATAATAAGCAAAATTCAGA[C>T]GTTCCACTATAGCATATTTATTAACCAGGTCAGGGCTAGAGAAATGTGGGAGATGACTCC-3'
Protein context (NP_079413.3, residues 1186-1206): DLVNKYAIVE[Arg1196His]LNFAYYLHNG